The following is an entry in ClinVar:

NM_000465.4(BARD1):c.216-15T>C

Gene: BARD1 (BRCA1 associated RING domain 1; minus strand). Cytogenetic location: 2q35.
Variant type: single nucleotide variant.
Coding change: c.216-15T>C on transcript NM_000465.4 (MANE Select); 15 bases into the intron before coding-DNA position 216, T replaced by C.
Molecular consequence: intron variant.
Genome position (GRCh38, 1-based): chr2:214,792,460, A>G on the plus strand (T>C on the coding strand, the complement: BARD1 is on the minus strand). VCF-style: chr2-214792460-A-G. GRCh37 (hg19) VCF-style: chr2-215657184-A-G.
Other names: c.158+16952T>C (NM_001282548.2); c.159-15T>C (NM_001282543.2); c.215+4601T>C (NM_001282545.2); c.216-15T>C (NM_001282549.2).
Identifiers: ClinVar variation 3379010 (VCV003379010.1).

ClinVar aggregate classification (germline): Likely benign (1 of 4 stars; one submission).

Conditions:
Familial cancer of breast. Also called: hereditary breast carcinoma; Hereditary breast cancer; BREAST CANCER, FAMILIAL. Identifiers: Orphanet 227535, MedGen C0346153, MONDO:0016419, OMIM 114480. Disease mechanism: loss of function.

Submission:

Myriad Genetics, Inc.
Classification: Likely benign for Familial cancer of breast. Last evaluated: 2024-07-19. Review status: criteria provided, single submitter. Criteria: Myriad Autosomal Dominant, Autosomal Recessive and X-Linked Classification Criteria (2023). Collection method: clinical testing. Allele origin: unknown.
Comment: This variant is considered likely benign. This variant is intronic and is not expected to impact mRNA splicing.